The following is an entry in ClinVar:

NM_006612.6(KIF1C):c.2675C>T (p.Pro892Leu)

Gene: KIF1C (kinesin family member 1C; plus strand). Cytogenetic location: 17p13.2.
Variant type: single nucleotide variant.
Coding change: c.2675C>T on transcript NM_006612.6 (MANE Select); coding-DNA position 2675, C replaced by T.
Protein change: p.Pro892Leu; replaces proline 892 with leucine.
Molecular consequence: missense variant.
Genome position (GRCh38, 1-based): chr17:5,023,514, C>T. VCF-style: chr17-5023514-C-T. GRCh37 (hg19) VCF-style: chr17-4926809-C-T.
Other names: short protein forms P892L.
Identifiers: ClinVar variation 1478425 (VCV001478425.11), dbSNP rs768593463, ClinGen allele CA8319359.
Genomic context (GRCh38, chr17:5,023,514, plus strand): 5'-CTCCTCCCTCCCAGGATCATGAGGATGAGAATGAAGAAGGTGGTGAGGTCCCCTGGGCCC[C>T]GCCTGAAGGATCAGAGGCAGCAGAGGAGGCAGCCCCCAGTGACCGCATGCCGTCAGCCCG-3'
Protein context (NP_006603.2, residues 882-902): NEEGGEVPWA[Pro892Leu]PEGSEAAEEA

ClinVar aggregate classification (germline): Uncertain significance. Review status: criteria provided, multiple submitters, no conflicts (2 of 4 stars). 4 submissions from 4 submitters: Uncertain significance (4). Last evaluated 2023-08-21.

Conditions:
Spastic ataxia 2. Also called: Ataxia, spastic, 2, autosomal recessive. Identifiers: Orphanet 397946, MedGen C1969796, MONDO:0012651, OMIM 611302.
Inborn genetic diseases. Identifiers: MedGen C0950123, MeSH D030342.

Allele frequency attached by ClinVar (database versions not stated): TOPMed 0.00009; gnomAD 0.00005; gnomAD exomes 0.00002; ExAC 0.00003.
gnomAD v4.1: 20 of 1,613,914 alleles (0.0012%); highest among the groups gnomAD compares: African/African-American, 0.012%; no homozygotes.

Submissions (4):

Ambry Genetics
Classification: Uncertain significance for Inborn genetic diseases. Last evaluated: 2023-08-21. Review status: criteria provided, single submitter. Criteria: Ambry Variant Classification Scheme 2023. Collection method: clinical testing. Allele origin: germline.

Labcorp Genetics (formerly Invitae), Labcorp
Classification: Uncertain significance for Spastic ataxia 2. Last evaluated: 2022-08-21. Review status: criteria provided, single submitter. Criteria: Invitae Variant Classification Sherloc (09022015). Collection method: clinical testing. Allele origin: germline.
Comment: In summary, the available evidence is currently insufficient to determine the role of this variant in disease. Therefore, it has been classified as a Variant of Uncertain Significance. Algorithms developed to predict the effect of missense changes on protein structure and function output the following: SIFT: "Deleterious"; PolyPhen-2: "Benign"; Align-GVGD: "Class C0". The leucine amino acid residue is found in multiple mammalian species, which suggests that this missense change does not adversely affect protein function. ClinVar contains an entry for this variant (Variation ID: 1478425). This variant has not been reported in the literature in individuals affected with KIF1C-related conditions. The frequency data for this variant in the population databases is considered unreliable, as metrics indicate poor data quality at this position in the gnomAD database. This sequence change replaces proline, which is neutral and non-polar, with leucine, which is neutral and non-polar, at codon 892 of the KIF1C protein (p.Pro892Leu).

GeneDx
Classification: Uncertain significance. Last evaluated: 2022-01-14. Review status: criteria provided, single submitter. Criteria: GeneDx Variant Classification Process June 2021. Collection method: clinical testing. Allele origin: germline. Affected: yes.
Comment: In silico analysis supports that this missense variant does not alter protein structure/function; Has not been previously published as pathogenic or benign to our knowledge

Breakthrough Genomics
Classification: Uncertain significance. Review status: criteria provided, single submitter. Criteria: ACMG Guidelines, 2015. Collection method: not provided. Allele origin: germline. Inheritance: Autosomal recessive inheritance. Affected: yes.